The following is an entry in ClinVar:

ClinVar aggregate classification (germline): Conflicting classifications of pathogenicity. Review status: criteria provided, conflicting classifications (1 of 4 stars). 3 submissions from 3 submitters: Uncertain significance (1); Likely benign (1). 1 of the submissions does not count toward it. Last evaluated 2023-07-05.

Conditions:
NIPBL-related disorder. Also called: NIPBL-related condition.
Cornelia de Lange syndrome 1 (CDLS1). Also called: TYPUS DEGENERATIVUS AMSTELODAMENSIS; NIPBL-Related Cornelia de Lange Syndrome; Brachmann de Lange syndrome. Identifiers: Orphanet 199, MedGen C4551851, MONDO:0007387, OMIM 122470.

Allele frequency attached by ClinVar (database versions not stated): gnomAD exomes 0.00001 and 0.00003; gnomAD 0.00002 and 0.00003; TOPMed 0.00003.
gnomAD v4.1: 46 of 1,614,008 alleles (0.0029%); highest among the groups gnomAD compares: Non-Finnish European, 0.0036%; no homozygotes.

Submissions (3):

Blueprint Genetics
Classification: Likely benign. Last evaluated: 2023-07-05. Review status: criteria provided, single submitter. Criteria: ACMG Guidelines, 2015. Collection method: clinical testing. Allele origin: germline.

Illumina Laboratory Services, Illumina
Classification: Uncertain significance for Cornelia de Lange syndrome 1. Last evaluated: 2018-01-13. Review status: criteria provided, single submitter. Criteria: ICSL Variant Classification Criteria 13 December 2019. Collection method: clinical testing. Allele origin: germline.

PreventionGenetics, part of Exact Sciences
Classification: Likely benign for NIPBL-related condition. Last evaluated: 2024-09-08. Review status: no assertion criteria provided. Collection method: clinical testing. Allele origin: germline. Not counted in ClinVar's aggregate classification.
Comment: This variant is classified as likely benign based on ACMG/AMP sequence variant interpretation guidelines (Richards et al. 2015 PMID: 25741868, with internal and published modifications).

NM_133433.4(NIPBL):c.8139T>C (p.Ile2713=)

Gene: NIPBL (NIPBL cohesin loading factor; plus strand). Cytogenetic location: 5p13.2.
Variant type: single nucleotide variant.
Coding change: c.8139T>C on transcript NM_133433.4 (MANE Select); coding-DNA position 8139, T replaced by C.
Protein change: p.Ile2713=; no amino-acid change (isoleucine 2713 retained).
Molecular consequence: synonymous variant. On other transcripts: 3 prime UTR variant (1).
Genome position (GRCh38, 1-based): chr5:37,064,616, T>C. VCF-style: chr5-37064616-T-C. GRCh37 (hg19) VCF-style: chr5-37064718-T-C.
Other names: c.*593T>C (NM_015384.5).
Identifiers: ClinVar variation 904295 (VCV000904295.6), dbSNP rs1187325987, ClinGen allele CA443916487.